The following is an entry in ClinVar:

ClinVar aggregate classification (germline): Uncertain significance. Review status: criteria provided, multiple submitters, no conflicts (2 of 4 stars). 2 submissions from 2 submitters: Uncertain significance (2). Last evaluated 2022-04-29.

Conditions:
Hereditary cancer-predisposing syndrome. Also called: Hereditary neoplastic syndrome; Neoplastic Syndromes, Hereditary; Tumor predisposition; Hereditary Cancer Syndrome. Identifiers: Orphanet 140162, MedGen C0027672, MeSH D009386, MONDO:0015356.
Carney complex, type 1 (CNC1). Also called: CARNEY COMPLEX, TYPE I; CARNEY MYXOMA-ENDOCRINE COMPLEX. Identifiers: Orphanet 1359, MedGen C2607929, MONDO:0008057, OMIM 160980.

Submissions (2):

Ambry Genetics
Classification: Uncertain significance for Hereditary cancer-predisposing syndrome. Last evaluated: 2022-04-29. Review status: criteria provided, single submitter. Criteria: Ambry Variant Classification Scheme 2023. Collection method: clinical testing. Allele origin: germline.
Comment: The p.N67S variant (also known as c.200A>G), located in coding exon 2 of the PRKAR1A gene, results from an A to G substitution at nucleotide position 200. The asparagine at codon 67 is replaced by serine, an amino acid with highly similar properties. This amino acid position is conserved. In addition, this alteration is predicted to be tolerated by in silico analysis. Since supporting evidence is limited at this time, the clinical significance of this alteration remains unclear.

Labcorp Genetics (formerly Invitae), Labcorp
Classification: Uncertain significance for Carney complex, type 1. Last evaluated: 2021-02-17. Review status: criteria provided, single submitter. Criteria: Invitae Variant Classification Sherloc (09022015). Collection method: clinical testing. Allele origin: germline.
Comment: In summary, the available evidence is currently insufficient to determine the role of this variant in disease. Therefore, it has been classified as a Variant of Uncertain Significance. Algorithms developed to predict the effect of missense changes on protein structure and function output the following: SIFT: "Tolerated"; PolyPhen-2: "Benign"; Align-GVGD: "Class C0". The serine amino acid residue is found in multiple mammalian species, suggesting that this missense change does not adversely affect protein function. These predictions have not been confirmed by published functional studies and their clinical significance is uncertain. This variant has not been reported in the literature in individuals with PRKAR1A-related conditions. This variant is not present in population databases (ExAC no frequency). This sequence change replaces asparagine with serine at codon 67 of the PRKAR1A protein (p.Asn67Ser). The asparagine residue is weakly conserved and there is a small physicochemical difference between asparagine and serine.

NM_002734.5(PRKAR1A):c.200A>G (p.Asn67Ser)

Gene: PRKAR1A (protein kinase cAMP-dependent type I regulatory subunit alpha; plus strand). Cytogenetic location: 17q24.2.
Variant type: single nucleotide variant.
Coding change: c.200A>G on transcript NM_002734.5 (MANE Select); coding-DNA position 200, A replaced by G.
Protein change: p.Asn67Ser; replaces asparagine 67 with serine.
Molecular consequence: missense variant.
Genome position (GRCh38, 1-based): chr17:68,522,778, A>G. VCF-style: chr17-68522778-A-G. GRCh37 (hg19) VCF-style: chr17-66518919-A-G.
Other names: c.200A>G, p.Asn67Ser (NM_001276289.2, NM_001276290.1, NM_001278433.2 and 4 more transcripts); short protein forms N67S.
Identifiers: ClinVar variation 1510972 (VCV001510972.10), dbSNP rs2143272320, ClinGen allele CA400752206.
Genomic context (GRCh38, chr17:68,522,778, plus strand): 5'-CGAAGGATCTCATTTTGCAAACTCGTAATTTCTTTCAGGAGGAGGCAAAACAGATTCAGA[A>G]TCTGCAGAAAGCAGGCACTCGTACAGACTCAAGGGAGGATGAGATTTCTCCTCCTCCACC-3'
Protein context (NP_002725.1, residues 57-77): LEKEEAKQIQ[Asn67Ser]LQKAGTRTDS